The following is an entry in ClinVar:

NM_000368.5(TSC1):c.982C>T (p.Gln328Ter)

Gene: TSC1 (TSC complex subunit 1; minus strand). Cytogenetic location: 9q34.13.
Variant type: single nucleotide variant.
Coding change: c.982C>T on transcript NM_000368.5 (MANE Select); coding-DNA position 982, C replaced by T.
Protein change: p.Gln328Ter; replaces glutamine 328 with a stop codon.
Molecular consequence: nonsense.
Genome position (GRCh38, 1-based): chr9:132,911,500, G>A on the plus strand (C>T on the coding strand, the complement: TSC1 is on the minus strand). VCF-style: chr9-132911500-G-A. GRCh37 (hg19) VCF-style: chr9-135786887-G-A.
Other names: c.982C>T, p.Gln328Ter (NM_001162426.2); c.829C>T, p.Gln277Ter (NM_001162427.2); c.619C>T, p.Gln207Ter (NM_001362177.2); short protein forms Q328*, Q207*, Q277*.
Identifiers: ClinVar variation 547821 (VCV000547821.13), dbSNP rs1554817388, ClinGen allele CA375368627.

ClinVar aggregate classification (germline): Pathogenic/Likely pathogenic. Review status: criteria provided, multiple submitters, no conflicts (2 of 4 stars). 4 submissions from 4 submitters: Pathogenic (3); Likely pathogenic (1). Last evaluated 2024-08-05.

Conditions:
Tuberous sclerosis 1 (TSC1). Identifiers: Orphanet 805, MedGen C1854465, MONDO:0008612, OMIM 191100.

Submissions (4):

Labcorp Genetics (formerly Invitae), Labcorp
Classification: Pathogenic for Tuberous sclerosis 1. Last evaluated: 2024-08-05. Review status: criteria provided, single submitter. Criteria: Invitae Variant Classification Sherloc (09022015). Collection method: clinical testing. Allele origin: germline.
Comment: This sequence change creates a premature translational stop signal (p.Gln328*) in the TSC1 gene. It is expected to result in an absent or disrupted protein product. Loss-of-function variants in TSC1 are known to be pathogenic (PMID: 10227394, 17304050). This variant is not present in population databases (gnomAD no frequency). This premature translational stop signal has been observed in individual(s) with clinical features of tuberous sclerosis complex (PMID: 23647917). ClinVar contains an entry for this variant (Variation ID: 547821). For these reasons, this variant has been classified as Pathogenic.

Division of Genomic Medicine, Department of Advanced Medicine, Medical Research Institute, Kanazawa Medical University
Classification: Pathogenic for Tuberous sclerosis 1. Last evaluated: 2022-08-01. Review status: criteria provided, single submitter. Criteria: ACMG Guidelines, 2015. Collection method: clinical testing. Allele origin: germline. Affected: yes. Observed: 1 variant allele.

Genome-Nilou Lab
Classification: Pathogenic for Tuberous sclerosis 1. Last evaluated: 2021-11-07. Review status: criteria provided, single submitter. Criteria: ACMG Guidelines, 2015. Collection method: clinical testing. Allele origin: germline. Affected: no.

Center for Human Genetics, Inc
Classification: Likely pathogenic for Tuberous sclerosis 1. Last evaluated: 2016-11-01. Review status: criteria provided, single submitter. Criteria: ACMG Guidelines, 2015. Collection method: clinical testing. Allele origin: germline. Affected: yes.

Literature cited by the submitters: PubMed 10227394 (cited by Labcorp Genetics (formerly Invitae), Labcorp); PubMed 17304050 (cited by Labcorp Genetics (formerly Invitae), Labcorp); PubMed 23647917 (cited by Labcorp Genetics (formerly Invitae), Labcorp).